The following is an entry in ClinVar:

NM_004595.5(SMS):c.200G>T (p.Gly67Val)

Gene: SMS (spermine synthase; plus strand). Cytogenetic location: Xp22.11.
Variant type: single nucleotide variant.
Coding change: c.200G>T on transcript NM_004595.5 (MANE Select); coding-DNA position 200, G replaced by T.
Protein change: p.Gly67Val; replaces glycine 67 with valine.
Molecular consequence: missense variant. On other transcripts: intron variant (1).
Genome position (GRCh38, 1-based): chrX:21,971,926, G>T. VCF-style: chrX-21971926-G-T. GRCh37 (hg19) VCF-style: chrX-21990044-G-T.
Other names: c.170+4610G>T (NM_001258423.2); short protein forms G67V.
Identifiers: ClinVar variation 2630815 (VCV002630815.4), dbSNP rs397515550, ClinGen allele CA412565203.

ClinVar aggregate classification (germline): Likely pathogenic (1 of 4 stars; one submission).

Conditions:
SMS-related disorder. Also called: SMS-related condition.

Submission:

PreventionGenetics, part of Exact Sciences
Classification: Likely pathogenic for SMS-related condition. Last evaluated: 2025-12-01. Review status: criteria provided, single submitter. Criteria: ACMG Guidelines, 2015. Collection method: clinical testing. Allele origin: germline.
Comment: The SMS c.200G>T variant is predicted to result in the amino acid substitution p.Gly67Val. To our knowledge, this variant has not been reported in the literature or in a large population database (gnomAD), indicating this variant is rare. An alternate nucleotide change affecting the same amino acid (p.Gly67Glu) has been reported in an individual with Snyder-Robinson syndrome and experimental studies suggest it impacts protein function (Referred to as c.200G>A; p.G67X, Peron et al. 2013. PubMed ID: 23897707; Peng et al. 2016. PubMed ID: 26761001; ClinVar ID: 65677). This variant is interpreted as likely pathogenic.